The following is an entry in ClinVar:

NM_001018115.3(FANCD2):c.3992T>C (p.Phe1331Ser)

Genes: FANCD2 (FA complementation group D2; plus strand), FANCD2OS (FANCD2 opposite strand; minus strand). Cytogenetic location: 3p25.3.
Variant type: single nucleotide variant.
Coding change: c.3992T>C on transcript NM_001018115.3 (MANE Select); coding-DNA position 3992, T replaced by C.
Protein change: p.Phe1331Ser; replaces phenylalanine 1331 with serine.
Molecular consequence: missense variant. On other transcripts: intron variant (1).
Genome position (GRCh38, 1-based): chr3:10,095,228, T>C. VCF-style: chr3-10095228-T-C. GRCh37 (hg19) VCF-style: chr3-10136912-T-C.
Other names: c.*43+8970A>G (NM_173472.2); c.3992T>C, p.Phe1331Ser (NM_001319984.2, NM_033084.6); c.3881T>C, p.Phe1294Ser (NM_001374253.1); c.3953T>C, p.Phe1318Ser (NM_001374254.1); short protein forms F1318S, F1331S, F1294S.
Identifiers: ClinVar variation 3667136 (VCV003667136.2).
Genomic context (GRCh38, chr3:10,095,228, plus strand): 5'-TCATAGAGCATTTATAAACTTATTGGTTATAGGAAGATGTTCTGAGCTTACTGGAAACCT[T>C]CCAGTTGGACACAAGGCTGCTTCATCACCTGTGTGGGCATTCCAAGGTAAGAAGGGGAGC-3'
Protein context (NP_001018125.1, residues 1321-1341): REDVLSLLET[Phe1331Ser]QLDTRLLHHL

ClinVar aggregate classification (germline): Uncertain significance (1 of 4 stars; one submission).

Conditions:
Fanconi anemia (FA). Also called: Fanconi's anemia. Identifiers: Orphanet 84, MedGen C0015625, MeSH D005199, MONDO:0019391.

Submission:

Labcorp Genetics (formerly Invitae), Labcorp
Classification: Uncertain significance for Fanconi anemia. Last evaluated: 2024-09-09. Review status: criteria provided, single submitter. Criteria: Invitae Variant Classification Sherloc (09022015). Collection method: clinical testing. Allele origin: germline.
Comment: This sequence change replaces phenylalanine, which is neutral and non-polar, with serine, which is neutral and polar, at codon 1331 of the FANCD2 protein (p.Phe1331Ser). This variant is not present in population databases (gnomAD no frequency). This variant has not been reported in the literature in individuals affected with FANCD2-related conditions. Invitae Evidence Modeling of protein sequence and biophysical properties (such as structural, functional, and spatial information, amino acid conservation, physicochemical variation, residue mobility, and thermodynamic stability) indicates that this missense variant is expected to disrupt FANCD2 protein function with a positive predictive value of 80%. In summary, the available evidence is currently insufficient to determine the role of this variant in disease. Therefore, it has been classified as a Variant of Uncertain Significance.